The following is an entry in ClinVar:

NM_001142864.4(PIEZO1):c.820C>T (p.Leu274=)

Genes: HSALR1 (HSP90AB1 associated lncRNA 1; plus strand), PIEZO1 (piezo type mechanosensitive ion channel component 1 (Er blood group); minus strand). Cytogenetic location: 16q24.3.
Variant type: single nucleotide variant.
Coding change: c.820C>T on transcript NM_001142864.4 (MANE Select); coding-DNA position 820, C replaced by T.
Protein change: p.Leu274=; no amino-acid change (leucine 274 retained).
Molecular consequence: synonymous variant. On other transcripts: non-coding transcript variant (1).
Genome position (GRCh38, 1-based): chr16:88,738,255, G>A on the plus strand (C>T on the coding strand, the complement: PIEZO1 is on the minus strand). VCF-style: chr16-88738255-G-A. GRCh37 (hg19) VCF-style: chr16-88804663-G-A.
Identifiers: ClinVar variation 4873391 (VCV004873391.2).

ClinVar aggregate classification (germline): Likely benign (1 of 4 stars; one submission).

gnomAD v4.1: 2 of 1,535,866 alleles (0.00013%); highest among the groups gnomAD compares: Non-Finnish European, 0.00017%; no homozygotes.

Submission:

CeGaT Center for Human Genetics Tuebingen
Classification: Likely benign. Last evaluated: 2026-04-01. Review status: criteria provided, single submitter. Criteria: CeGaT Center For Human Genetics Tuebingen Variant Classification Criteria Version 2. Collection method: clinical testing. Allele origin: germline. Affected: yes. Observed: 1 variant allele.
Comment: PIEZO1: BP4, BP7